The following is an entry in ClinVar:

NM_001201427.2(DAAM2):c.684C>T (p.Leu228=)

Gene: DAAM2 (dishevelled associated activator of morphogenesis 2; plus strand). Cytogenetic location: 6p21.2.
Variant type: single nucleotide variant.
Coding change: c.684C>T on transcript NM_001201427.2 (MANE Select); coding-DNA position 684, C replaced by T.
Protein change: p.Leu228=; no amino-acid change (leucine 228 retained).
Molecular consequence: synonymous variant.
Genome position (GRCh38, 1-based): chr6:39,867,765, C>T. VCF-style: chr6-39867765-C-T. GRCh37 (hg19) VCF-style: chr6-39835541-C-T.
Other names: c.684C>T, p.Leu228= (NM_015345.4).
Identifiers: ClinVar variation 4981842 (VCV004981842.1).

ClinVar aggregate classification (germline): Likely benign (1 of 4 stars; one submission).

Conditions:
DAAM2-related disorder. Also called: DAAM2-related condition.

gnomAD v4.1: 29 of 1,613,734 alleles (0.0018%); highest among the groups gnomAD compares: South Asian, 0.0088%; no homozygotes.

Submission:

PreventionGenetics, part of Exact Sciences
Classification: Likely benign for DAAM2-related condition. Last evaluated: 2026-05-24. Review status: criteria provided, single submitter. Criteria: ACMG Guidelines, 2015. Collection method: clinical testing. Allele origin: germline.
Comment: This variant is classified as likely benign based on ACMG/AMP sequence variant interpretation guidelines (Richards et al. 2015 PMID: 25741868, with internal and published modifications).